The following is an entry in ClinVar:

ClinVar aggregate classification (germline): Uncertain significance (1 of 4 stars; one submission).

gnomAD v4.1: 13 of 1,614,124 alleles (0.00081%); highest among the groups gnomAD compares: Non-Finnish European, 0.00093%; no homozygotes.

Submission:

Labcorp Genetics (formerly Invitae), Labcorp
Classification: Uncertain significance. Last evaluated: 2024-04-02. Review status: criteria provided, single submitter. Criteria: Invitae Variant Classification Sherloc (09022015). Collection method: clinical testing. Allele origin: germline.
Comment: This sequence change replaces leucine, which is neutral and non-polar, with serine, which is neutral and polar, at codon 289 of the P2RY12 protein (p.Leu289Ser). This variant is present in population databases (rs774092350, gnomAD 0.0009%). This variant has not been reported in the literature in individuals affected with P2RY12-related conditions. An algorithm developed to predict the effect of missense changes on protein structure and function (PolyPhen-2) suggests that this variant is likely to be disruptive. In summary, the available evidence is currently insufficient to determine the role of this variant in disease. Therefore, it has been classified as a Variant of Uncertain Significance.

NM_022788.5(P2RY12):c.866T>C (p.Leu289Ser)

Genes: MED12L (mediator complex subunit 12L; plus strand), P2RY12 (purinergic receptor P2Y12; minus strand). Cytogenetic location: 3q25.1.
Variant type: single nucleotide variant.
Coding change: c.866T>C on transcript NM_022788.5 (MANE Select); coding-DNA position 866, T replaced by C.
Protein change: p.Leu289Ser; replaces leucine 289 with serine.
Molecular consequence: missense variant. On other transcripts: intron variant (2).
Genome position (GRCh38, 1-based): chr3:151,337,980, A>G on the plus strand (T>C on the coding strand, the complement: P2RY12 is on the minus strand). VCF-style: chr3-151337980-A-G. GRCh37 (hg19) VCF-style: chr3-151055768-A-G.
Other names: c.866T>C, p.Leu289Ser (NM_176876.3); c.2251-12079A>G (NM_001393769.1); c.2146-12079A>G (NM_053002.6); short protein forms L289S.
Identifiers: ClinVar variation 3677008 (VCV003677008.2).
Genomic context (GRCh38, chr3:151,337,980, plus strand): 5'-AAGGAATTTCTGAAGGACTTGCAAAGGAAAAAATAGATGAACGGATCCAGGCATGCATTT[A>G]AGGAAGTTAACCACAGAGTGCTCTCTTTCACATAGAACAGAGTATTTTCAGCAGTGCAGT-3'
Protein context (NP_073625.1, residues 279-299): VKESTLWLTS[Leu289Ser]NACLDPFIYF